The following is an entry in ClinVar:

ClinVar aggregate classification (germline): Pathogenic (1 of 4 stars; one submission).

Submission:

Labcorp Genetics (formerly Invitae), Labcorp
Classification: Pathogenic. Last evaluated: 2024-09-05. Review status: criteria provided, single submitter. Criteria: Invitae Variant Classification Sherloc (09022015). Collection method: clinical testing. Allele origin: germline.
Comment: This sequence change replaces glycine, which is neutral and non-polar, with aspartic acid, which is acidic and polar, at codon 1290 of the COL4A1 protein (p.Gly1290Asp). This variant is not present in population databases (gnomAD no frequency). This missense change has been observed in individual(s) with COL4A1-related conditions (internal data). It has also been observed to segregate with disease in related individuals. An algorithm developed to predict the effect of missense changes on protein structure and function (PolyPhen-2) suggests that this variant is likely to be disruptive. This variant disrupts the triple helix domain of COL4A1. Glycine residues within the Gly-Xaa-Yaa repeats of the triple helix domain are required for the structure and stability of fibrillar collagens (PMID: 7695699, 8218237, 19344236). In COL4A1 variants affecting these glycine residues are significantly enriched in individuals with disease (PMID: 9016532, 17078022) compared to the general population (ExAC). For these reasons, this variant has been classified as Pathogenic.

Literature cited by the submitters: PubMed 7695699; PubMed 8218237; PubMed 19344236; PubMed 9016532; PubMed 17078022.

NM_001845.6(COL4A1):c.3869G>A (p.Gly1290Asp)

Gene: COL4A1 (collagen type IV alpha 1 chain; minus strand). Cytogenetic location: 13q34.
Variant type: single nucleotide variant.
Coding change: c.3869G>A on transcript NM_001845.6 (MANE Select); coding-DNA position 3869, G replaced by A.
Protein change: p.Gly1290Asp; replaces glycine 1290 with aspartic acid.
Molecular consequence: missense variant.
Genome position (GRCh38, 1-based): chr13:110,169,636, C>T on the plus strand (G>A on the coding strand, the complement: COL4A1 is on the minus strand). VCF-style: chr13-110169636-C-T. GRCh37 (hg19) VCF-style: chr13-110821983-C-T.
Other names: short protein forms G1290D.
Identifiers: ClinVar variation 3615840 (VCV003615840.2).